The following is an entry in ClinVar:

ClinVar aggregate classification (germline): Conflicting classifications of pathogenicity. Review status: criteria provided, conflicting classifications (1 of 4 stars). 5 submissions from 5 submitters: Uncertain significance (4); Likely benign (1). Last evaluated 2026-09-01.

Conditions:
TTN-related disorder. Also called: TTN-related condition; TTN-related disease; TTN-related disorders.
Autosomal recessive limb-girdle muscular dystrophy type 2J (LGMDR10). Also called: Limb-girdle muscular dystrophy, type 2J; MUSCULAR DYSTROPHY, LIMB-GIRDLE, AUTOSOMAL RECESSIVE 10. Identifiers: Orphanet 140922, MedGen C1837342, MONDO:0012127, OMIM 608807.
Dilated cardiomyopathy 1G (CMD1G). Identifiers: Orphanet 154, MedGen C1858763, MONDO:0011400, OMIM 604145.
Cardiomyopathy (CMYO). Also called: Cardiomyopathies. Identifiers: Orphanet 167848, MedGen C0878544, MONDO:0004994, HP:0001638. Inheritance: Various modes of inheritance.

Allele frequency attached by ClinVar (database versions not stated): TOPMed 0.00001; 1000 Genomes Project 30x 0.00016.
gnomAD v4.1: 37 of 1,613,702 alleles (0.0023%); highest among the groups gnomAD compares: Middle Eastern, 0.033%; no homozygotes.

Submissions (5):

CeGaT Center for Human Genetics Tuebingen
Classification: Uncertain significance. Last evaluated: 2026-09-01. Review status: criteria provided, single submitter. Criteria: CeGaT Center For Human Genetics Tuebingen Variant Classification Criteria Version 2. Collection method: clinical testing. Allele origin: germline. Affected: yes. Observed: 1 variant allele.
Comment: TTN: PM2, BP4

PreventionGenetics, part of Exact Sciences
Classification: Uncertain significance for TTN-related condition. Last evaluated: 2026-09-01. Review status: criteria provided, single submitter. Criteria: ACMG Guidelines, 2015. Collection method: clinical testing. Allele origin: germline.
Comment: The TTN c.23443C>T variant is predicted to result in the amino acid substitution p.Arg7815Trp. To our knowledge, this variant has not been reported in the literature. This variant is reported in 0.010% of alleles in individuals of Ashkenazi Jewish descent in gnomAD. At this time, the clinical significance of this variant is uncertain due to the absence of conclusive functional and genetic evidence.

Mayo Clinic Laboratories, Mayo Clinic
Classification: Uncertain significance. Last evaluated: 2023-06-21. Review status: criteria provided, single submitter. Criteria: ACMG Guidelines, 2015. Collection method: clinical testing. Allele origin: germline. Observed: 1 variant allele.

CHEO Genetics Diagnostic Laboratory, Children's Hospital of Eastern Ontario
Classification: Likely benign for Cardiomyopathy. Last evaluated: 2023-06-07. Review status: criteria provided, single submitter. Criteria: ACMG Guidelines, 2015. Collection method: clinical testing. Allele origin: germline.

Labcorp Genetics (formerly Invitae), Labcorp
Classification: Uncertain significance for Dilated cardiomyopathy 1G; Autosomal recessive limb-girdle muscular dystrophy type 2J. Last evaluated: 2016-10-09. Review status: criteria provided, single submitter. Criteria: Invitae Variant Classification Sherloc (09022015). Collection method: clinical testing. Allele origin: germline.

NM_001267550.2(TTN):c.23443C>T (p.Arg7815Trp)

Gene: TTN (titin; minus strand). Cytogenetic location: 2q31.2.
Variant type: single nucleotide variant.
Coding change: c.23443C>T on transcript NM_001267550.2 (MANE Select); coding-DNA position 23443, C replaced by T.
Protein change: p.Arg7815Trp; replaces arginine 7815 with tryptophan.
Molecular consequence: missense variant. On other transcripts: intron variant (3).
Genome position (GRCh38, 1-based): chr2:178,720,199, G>A on the plus strand (C>T on the coding strand, the complement: TTN is on the minus strand). VCF-style: chr2-178720199-G-A. GRCh37 (hg19) VCF-style: chr2-179584926-G-A.
Other names: p.Arg7498Trp; c.22492C>T, p.Arg7498Trp (NM_001256850.1); c.19711C>T, p.Arg6571Trp (NM_133378.4); c.13282+17883C>T (NM_003319.4); c.13858+17883C>T (NM_133437.4); c.13657+17883C>T (NM_133432.3); short protein forms R7815W, R6571W, R7498W.
Identifiers: ClinVar variation 404797 (VCV000404797.7), dbSNP rs528264100, ClinGen allele CA2000625.